The following is an entry in ClinVar:

ClinVar aggregate classification (germline): Uncertain significance (1 of 4 stars; one submission).

Conditions:
Cardiovascular phenotype. Identifiers: MedGen CN230736.

gnomAD v4.1: 1 of 1,594,420 alleles (0.000063%); highest among the groups gnomAD compares: East Asian, 0.0022%; no homozygotes.

Submission:

Ambry Genetics
Classification: Uncertain significance for Cardiovascular phenotype. Last evaluated: 2024-11-03. Review status: criteria provided, single submitter. Criteria: Ambry Variant Classification Scheme 2023. Collection method: clinical testing. Allele origin: germline.
Comment: The p.K751R variant (also known as c.2252A>G), located in coding exon 8 of the AKAP9 gene, results from an A to G substitution at nucleotide position 2252. The lysine at codon 751 is replaced by arginine, an amino acid with highly similar properties. This amino acid position is conserved. In addition, this alteration is predicted to be tolerated by in silico analysis. Based on the available evidence, the clinical significance of this variant remains unclear.

NM_005751.5(AKAP9):c.2252A>G (p.Lys751Arg)

Gene: AKAP9 (A-kinase anchoring protein 9; plus strand). Cytogenetic location: 7q21.2.
Variant type: single nucleotide variant.
Coding change: c.2252A>G on transcript NM_005751.5 (MANE Select); coding-DNA position 2252, A replaced by G.
Protein change: p.Lys751Arg; replaces lysine 751 with arginine.
Molecular consequence: missense variant.
Genome position (GRCh38, 1-based): chr7:92,002,169, A>G. VCF-style: chr7-92002169-A-G. GRCh37 (hg19) VCF-style: chr7-91631483-A-G.
Other names: c.2252A>G, p.Lys751Arg (NM_147185.3); short protein forms K751R.
Identifiers: ClinVar variation 3517157 (VCV003517157.1).